The following is an entry in ClinVar:

ClinVar aggregate classification (germline): Uncertain significance (1 of 4 stars; one submission).

Conditions:
Cardiovascular phenotype. Identifiers: MedGen CN230736.

gnomAD v4.1: 5 of 1,550,014 alleles (0.00032%); highest among the groups gnomAD compares: Non-Finnish European, 0.00017%; no homozygotes.

Submission:

Ambry Genetics
Classification: Uncertain significance for Cardiovascular phenotype. Last evaluated: 2019-09-23. Review status: criteria provided, single submitter. Criteria: Ambry Variant Classification Scheme 2023. Collection method: clinical testing. Allele origin: germline.
Comment: The p.G890A variant (also known as c.2669G>C), located in coding exon 1 of the ZNF469 gene, results from a G to C substitution at nucleotide position 2669. The glycine at codon 890 is replaced by alanine, an amino acid with similar properties. This amino acid position is well conserved in available vertebrate species. In addition, this alteration is predicted to be tolerated by in silico analysis. Since supporting evidence is limited at this time, the clinical significance of this alteration remains unclear.

NM_001367624.2(ZNF469):c.2669G>C (p.Gly890Ala)

Gene: ZNF469 (zinc finger protein 469; plus strand). Cytogenetic location: 16q24.2.
Variant type: single nucleotide variant.
Coding change: c.2669G>C on transcript NM_001367624.2 (MANE Select); coding-DNA position 2669, G replaced by C.
Protein change: p.Gly890Ala; replaces glycine 890 with alanine.
Molecular consequence: missense variant.
Genome position (GRCh38, 1-based): chr16:88,430,139, G>C. VCF-style: chr16-88430139-G-C. GRCh37 (hg19) VCF-style: chr16-88496547-G-C.
Other names: NM_001127464.1:c.2669G>C; short protein forms G890A.
Identifiers: ClinVar variation 1794525 (VCV001794525.2), dbSNP rs779602484, ClinGen allele CA397074458.